The following is an entry in ClinVar:

ClinVar aggregate classification (germline): Conflicting classifications of pathogenicity. Review status: criteria provided, conflicting classifications (1 of 4 stars). 3 submissions from 3 submitters: Likely pathogenic (1); Uncertain significance (1). 1 of the submissions does not count toward it. Last evaluated 2025-07-11.

Conditions:
Polycystic lipomembranous osteodysplasia with sclerosing leukoencephalopathy 2. Also called: TREM2-Related Polycystic Lipomembranous Osteodysplasia with Sclerosing Leukoencephalopathy. Identifiers: MedGen C4748657, MONDO:0020750, OMIM 618193.

Allele frequency attached by ClinVar (database versions not stated): gnomAD exomes below 0.00001; ExAC 0.00001.

Submissions (3):

Institute of Human Genetics, Heidelberg University
Classification: Likely pathogenic for Polycystic lipomembranous osteodysplasia with sclerosing leukoencephalopathy 2. Last evaluated: 2025-07-11. Review status: criteria provided, single submitter. Criteria: ACMG Guidelines, 2015. Collection method: clinical testing. Allele origin: germline. Affected: yes. Observed: 1 variant allele.
Comment: PVS1_s, PM2_sup, PS3_mod

SIB Swiss Institute of Bioinformatics
Classification: Uncertain significance for Polycystic lipomembranous osteodysplasia with sclerosing leukoencephalopathy 2. Last evaluated: 2019-10-17. Review status: criteria provided, single submitter. Criteria: ACMG Guidelines, 2015. Collection method: curation. Allele origin: unknown.
Comment: This variant is interpreted as a variant of uncertain significance for Polycystic lipomembranous osteodysplasia with sclerosing leukoencephalopathy 2 , autosomal recessive. The following ACMG Tag(s) were applied: PM2, PM3-Supporting, PS3-Moderate.

OMIM
Classification: Pathogenic for POLYCYSTIC LIPOMEMBRANOUS OSTEODYSPLASIA WITH SCLEROSING LEUKOENCEPHALOPATHY 2. Last evaluated: 2002-09-01. Review status: no assertion criteria provided. Collection method: literature only. Allele origin: germline. Not counted in ClinVar's aggregate classification.

Literature cited by the submitters: PubMed 12080485 (cited by SIB Swiss Institute of Bioinformatics and OMIM); PubMed 28768830 (cited by SIB Swiss Institute of Bioinformatics); PubMed 6681564 (cited by OMIM).

NM_018965.4(TREM2):c.401A>G (p.Asp134Gly)

Gene: TREM2 (triggering receptor expressed on myeloid cells 2; minus strand). Cytogenetic location: 6p21.1.
Variant type: single nucleotide variant.
Coding change: c.401A>G on transcript NM_018965.4 (MANE Select); coding-DNA position 401, A replaced by G.
Protein change: p.Asp134Gly; replaces aspartic acid 134 with glycine.
Molecular consequence: missense variant.
Genome position (GRCh38, 1-based): chr6:41,159,873, T>C on the plus strand (A>G on the coding strand, the complement: TREM2 is on the minus strand). VCF-style: chr6-41159873-T-C. GRCh37 (hg19) VCF-style: chr6-41127611-T-C.
Other names: c.401A>G, p.Asp134Gly (NM_001271821.2); short protein forms D134G.
Identifiers: ClinVar variation 5215 (VCV000005215.3), dbSNP rs28939079, ClinGen allele CA253436.
Genomic context (GRCh38, chr6:41,159,873, plus strand): 5'-TGGGCATCCTCGAAGCTCTCAGACTCCCCGGGGAACCAGAGATCTCCAGCATCCCGGTGA[T>C]CCAGGGGGTCTATGGGAGGCAGAGCCATGAGCCTCCAGCCCCTTCCTCCTCGAGGCAGGG-3'
Protein context (NP_061838.1, residues 124-144): VLVEVLADPL[Asp134Gly]HRDAGDLWFP